The following is an entry in ClinVar:

NM_000257.4(MYH7):c.2846A>T (p.Glu949Val)

Gene: MYH7 (myosin heavy chain 7; minus strand). Cytogenetic location: 14q11.2.
Variant type: single nucleotide variant.
Coding change: c.2846A>T on transcript NM_000257.4 (MANE Select); coding-DNA position 2846, A replaced by T.
Protein change: p.Glu949Val; replaces glutamic acid 949 with valine.
Molecular consequence: missense variant.
Genome position (GRCh38, 1-based): chr14:23,423,983, T>A on the plus strand (A>T on the coding strand, the complement: MYH7 is on the minus strand). VCF-style: chr14-23423983-T-A. GRCh37 (hg19) VCF-style: chr14-23893192-T-A.
Other names: p.E949V:GAG>GTG; short protein forms E949V.
Identifiers: ClinVar variation 42937 (VCV000042937.26), dbSNP rs397516175, ClinGen allele CA013153.

ClinVar aggregate classification (germline): Uncertain significance. Review status: criteria provided, multiple submitters, no conflicts (2 of 4 stars). 9 submissions from 9 submitters: Uncertain significance (9). Last evaluated 2026-09-23.

Conditions:
MYH7-related disorder. Also called: MYH7-related condition; MYH7-related disease; MYH7-related disorders.
Cardiovascular phenotype. Identifiers: MedGen CN230736.
Cardiomyopathy (CMYO). Also called: Cardiomyopathies. Identifiers: Orphanet 167848, MedGen C0878544, MONDO:0004994, HP:0001638. Inheritance: Various modes of inheritance.
Hypertrophic cardiomyopathy. Also called: HYPERTROPHIC MYOCARDIOPATHY. Identifiers: Orphanet 217569, MedGen C0007194, MeSH D002312, MONDO:0005045, HP:0001639.

Allele frequency attached by ClinVar (database versions not stated): TOPMed below 0.00001; ExAC 0.00001; gnomAD 0.00001; gnomAD exomes 0.00001 and 0.00002.

Submissions (9):

PreventionGenetics, part of Exact Sciences
Classification: Uncertain significance for MYH7-related condition. Last evaluated: 2026-09-23. Review status: criteria provided, single submitter. Criteria: ACMG Guidelines, 2015. Collection method: clinical testing. Allele origin: germline.
Comment: The MYH7 c.2846A>T variant is predicted to result in the amino acid substitution p.Glu949Val. This variant has been reported in individuals with hypertrophic cardiomyopathy (Table S1, Homburger et al. 2016. PubMed ID: 27247418; Table S1B, Walsh et al. 2016. PubMed ID: 27532257; Tables S8 and S10, McGurk et al. 2023. PubMed ID: 37652022; Table S1, Lopes et al. 2014. PubMed ID: 25351510). In addition, this variant has been observed in an individual with peripartum cardiomyopathy (Supplemental Table 3, Goli et al. 2021. PubMed ID: 33874732) and in a pediatric patient with an unspecified cardiomyopathy (Table S2, Akinrinade et al. 2023. PubMed ID: 37477868). This variant is reported in 0.0018% of alleles in individuals of European (non-Finnish) descent in gnomAD and is interpreted as uncertain in ClinVar (Variation ID: 42937). At this time, the clinical significance of this variant is uncertain due to the absence of conclusive functional and genetic evidence.

Labcorp Genetics (formerly Invitae), Labcorp
Classification: Uncertain significance for Hypertrophic cardiomyopathy. Last evaluated: 2025-09-13. Review status: criteria provided, single submitter. Criteria: Invitae Variant Classification Sherloc (09022015). Collection method: clinical testing. Allele origin: germline.
Comment: This sequence change replaces glutamic acid, which is acidic and polar, with valine, which is neutral and non-polar, at codon 949 of the MYH7 protein (p.Glu949Val). This variant is present in population databases (rs397516175, gnomAD 0.002%). This missense change has been observed in individual(s) with hypertrophic cardiomyopathy, peripartum cardiomyopathy and/or nonischemic cardiomyopathy (PMID: 25351510, 27247418, 27532257, 30297972, 33874732, 37652022; internal data). ClinVar contains an entry for this variant (Variation ID: 42937). Invitae Evidence Modeling of protein sequence and biophysical properties (such as structural, functional, and spatial information, amino acid conservation, physicochemical variation, residue mobility, and thermodynamic stability) indicates that this missense variant is expected to disrupt MYH7 protein function with a positive predictive value of 95%. In summary, the available evidence is currently insufficient to determine the role of this variant in disease. Therefore, it has been classified as a Variant of Uncertain Significance.

Mayo Clinic Laboratories, Mayo Clinic
Classification: Uncertain significance. Last evaluated: 2025-01-29. Review status: criteria provided, single submitter. Criteria: ACMG Guidelines, 2015. Collection method: clinical testing. Allele origin: germline. Observed: 1 variant allele.
Comment: PP3, PM2_supporting, PS4_supporting

All of Us Research Program, National Institutes of Health
Classification: Uncertain significance for Cardiomyopathy. Last evaluated: 2024-08-13. Review status: criteria provided, single submitter. Criteria: ACMG Guidelines, 2015. Collection method: clinical testing. Allele origin: germline. Inheritance: Autosomal dominant inheritance. Observed: 4 variant alleles, 4 heterozygotes.
Comment: This missense variant replaces glutamic acid with valine at codon 949 of the MYH7 protein. Computational prediction tools indicate that this variant has a deleterious impact on protein structure and function. To our knowledge, functional studies have not been reported for this variant. This variant has been reported in individuals affected with hypertrophic cardiomyopathy (PMID: 25351510, 27247418, 27532257, 30297972). It has also been reported in an individual affected with an unspecified cardiomyopathy (PMID: 37477868) and in an individual affected with peripartum cardiomyopathy (PMID: 33874732). This variant has been identified in 2/251494 chromosomes in the general population by the Genome Aggregation Database (gnomAD). A different variant affecting the same codon, p.Glu949Lys, is considered to be disease-causing (ClinVar variation ID: 14093), suggesting that glutamic acid at this position is important for MYH7 protein function. The available evidence is insufficient to determine the role of this variant in disease conclusively. Therefore, this variant is classified as a Variant of Uncertain Significance.

This study involves interpretation of variants in research participants for the purpose of population health screening. Participant phenotype was not available at the time of variant classification. Additional details can be found in publication PMID: 35346344, PMCID: PMC8962531

GeneDx
Classification: Uncertain significance. Last evaluated: 2024-08-12. Review status: criteria provided, single submitter. Criteria: GeneDx Variant Classification Process June 2021. Collection method: clinical testing. Allele origin: germline. Affected: yes.
Comment: Reported in one individual with HCM from the Laboratory for Molecular Medicine; may overlap with their patient reported in ClinVar (PMID: 27532257; SCV000059481.5; ClinVar); In silico analysis supports that this missense variant has a deleterious effect on protein structure/function; Not observed at a significant frequency in large population cohorts (gnomAD); This variant is associated with the following publications: (PMID: 27247418, 25351510, 32980267, 34542152, 27532257, 37652022)

Color Diagnostics, LLC DBA Color Health
Classification: Uncertain significance for Cardiomyopathy. Last evaluated: 2024-07-25. Review status: criteria provided, single submitter. Criteria: ACMG Guidelines, 2015. Collection method: clinical testing. Allele origin: germline.
Comment: This missense variant replaces glutamic acid with valine at codon 949 of the MYH7 protein. Computational prediction tools indicate that this variant has a deleterious impact on protein structure and function. To our knowledge, functional studies have not been reported for this variant. This variant has been reported in individuals affected with hypertrophic cardiomyopathy (PMID: 25351510, 27247418, 27532257, 30297972). It has also been reported in an individual affected with an unspecified cardiomyopathy (PMID: 37477868) and in an individual affected with peripartum cardiomyopathy (PMID: 33874732). This variant has been identified in 2/251494 chromosomes in the general population by the Genome Aggregation Database (gnomAD). A different variant affecting the same codon, p.Glu949Lys, is considered to be disease-causing (ClinVar variation ID: 14093), suggesting that glutamic acid at this position is important for MYH7 protein function. The available evidence is insufficient to determine the role of this variant in disease conclusively. Therefore, this variant is classified as a Variant of Uncertain Significance.

Ambry Genetics
Classification: Uncertain significance for Cardiovascular phenotype. Last evaluated: 2019-02-20. Review status: criteria provided, single submitter. Criteria: Ambry Variant Classification Scheme 2023. Collection method: clinical testing. Allele origin: germline.

CHEO Genetics Diagnostic Laboratory, Children's Hospital of Eastern Ontario
Classification: Uncertain significance for Cardiomyopathy. Last evaluated: 2015-09-22. Review status: criteria provided, single submitter. Criteria: ACMG Guidelines, 2015. Collection method: clinical testing. Allele origin: germline. Study: Canadian Open Genetics Repository.

Laboratory for Molecular Medicine, Mass General Brigham Personalized Medicine
Classification: Uncertain significance. Last evaluated: 2012-11-08. Review status: criteria provided, single submitter. Criteria: LMM Criteria. Collection method: clinical testing. Allele origin: germline. Inheritance: Autosomal dominant inheritance. Observed: 2 variant alleles.
Comment: Variant classified as Uncertain Significance - Favor Pathogenic. The Glu949Val v ariant in MYH7 has not been reported in the literature. This variant has not been identified in large and broad European American and African Americ an populations by the NHLBI Exome Sequencing Project (du/EVS). This low frequency supports a pathogenic role, but is insufficient to e stablish this with confidence. Glutamic acid (Glu) at position 949 is conserved across evolutionary distant species, increasing the likelihood that the change i s pathogenic. The variant was also predicted to be pathogenic using a clinically validated computational tool (pathogenic predictions are estimated to be correc t 94% of the time; Jordan 2011). This variant is more likely pathogenic but has not yet been detected in isolation in an affected individual. Therefore, additi onal information is needed to determine its clinical significance.

Literature cited by the submitters: PubMed 25351510 (cited by 4 submitters); PubMed 27247418 (cited by 4 submitters); PubMed 27532257 (cited by 4 submitters); PubMed 30297972 (cited by 3 submitters); PubMed 33874732 (cited by 3 submitters); PubMed 37652022 (cited by Labcorp Genetics (formerly Invitae), Labcorp and Mayo Clinic Laboratories, Mayo Clinic); PubMed 34542152 (cited by Mayo Clinic Laboratories, Mayo Clinic); PubMed 37477868 (cited by All of Us Research Program, National Institutes of Health and Color Diagnostics, LLC DBA Color Health).